The following is an entry in ClinVar:

ClinVar aggregate classification (germline): Pathogenic. Review status: reviewed by expert panel (3 of 4 stars). 18 submissions from 18 submitters: Pathogenic (1). 17 of the submissions do not count toward it. Last evaluated 2016-09-08.

Conditions:
Glioma susceptibility 3 (GLM3). Also called: Glioblastoma 3. Identifiers: Orphanet 182067, Orphanet 360, MedGen C2751641, MONDO:0013093, OMIM 613029.
Familial prostate cancer. Also called: Hereditary Prostate Cancer. Identifiers: MedGen C2931456, MONDO:0700275, OMIM 176807.
Breast-ovarian cancer, familial, susceptibility to, 2 (BROVCA2). Also called: BRCA2 Hereditary Breast and Ovarian Cancer. Identifiers: Orphanet 145, MedGen C2675520, MONDO:0012933, OMIM 612555. Disease mechanism: loss of function.
Fanconi anemia complementation group D1. Also called: BRCA2-Related Fanconi Anemia. Identifiers: Orphanet 319462, MedGen C1838457, MONDO:0011584, OMIM 605724.
Medulloblastoma (MDB). Also called: Medulloblastoma, somatic; MEDULLOBLASTOMA PREDISPOSITION SYNDROME. Identifiers: Orphanet 616, MedGen C0025149, MeSH D008527, MONDO:0007959, OMIM 155255, HP:0002885.
Wilms tumor 1 (WT1). Also called: Wilms tumor, somatic. Identifiers: Orphanet 654, MedGen CN033288, MONDO:0008679, OMIM 194070.
Familial cancer of breast. Also called: BREAST CANCER, FAMILIAL; hereditary breast carcinoma; Hereditary breast cancer. Identifiers: Orphanet 227535, MedGen C0346153, MONDO:0016419, OMIM 114480. Disease mechanism: loss of function.
Inherited breast cancer and ovarian cancer.
Breast and/or ovarian cancer. Identifiers: MedGen CN221562.
Hereditary cancer-predisposing syndrome. Also called: Neoplastic Syndromes, Hereditary; Tumor predisposition; Hereditary Cancer Syndrome; Hereditary neoplastic syndrome. Identifiers: Orphanet 140162, MedGen C0027672, MeSH D009386, MONDO:0015356.
Hereditary breast ovarian cancer syndrome. Also called: Breast and ovarian cancer; Hereditary breast and ovarian cancer; Hereditary breast and ovarian cancer syndrome (HBOC); Hereditary breast and ovarian cancer syndrome; BRCA1- and BRCA2-Associated Hereditary Breast and Ovarian Cancer; Hereditary breast and/or ovarian cancer syndrome. Identifiers: Orphanet 145, MedGen C0677776, MeSH D061325, MONDO:0003582. Disease mechanism: loss of function.

Submissions 1 to 9 of 18:

Evidence-based Network for the Interpretation of Germline Mutant Alleles (ENIGMA)
Classification: Pathogenic for Breast-ovarian cancer, familial, susceptibility to, 2. Last evaluated: 2016-09-08. Review status: reviewed by expert panel. Criteria: ENIGMA BRCA1/2 Classification Criteria (2015). Collection method: curation. Allele origin: germline.
Comment: Variant allele predicted to encode a truncated non-functional protein.

Institute of Medical Genetics and Applied Genomics, University Hospital Tübingen
Classification: Pathogenic for Hereditary breast ovarian cancer syndrome. Last evaluated: 2026-07-03. Review status: criteria provided, single submitter. Criteria: ACMG Guidelines, 2015. Collection method: clinical testing. Allele origin: germline. Inheritance: Autosomal dominant inheritance. Affected: yes. Not counted in ClinVar's aggregate classification.

Labcorp Genetics (formerly Invitae), Labcorp
Classification: Pathogenic for Hereditary breast ovarian cancer syndrome. Last evaluated: 2025-10-27. Review status: criteria provided, single submitter. Criteria: Invitae Variant Classification Sherloc (09022015). Collection method: clinical testing. Allele origin: germline. Not counted in ClinVar's aggregate classification.
Comment: This sequence change creates a premature translational stop signal (p.Val1804Lysfs*2) in the BRCA2 gene. It is expected to result in an absent or disrupted protein product. Loss-of-function variants in BRCA2 are known to be pathogenic (PMID: 20104584). This variant is not present in population databases (gnomAD no frequency). This premature translational stop signal has been observed in individual(s) with breast and/or ovarian cancer (PMID: 15340362, 24963353). This variant is also known as 5638delGT. ClinVar contains an entry for this variant (Variation ID: 37963). For these reasons, this variant has been classified as Pathogenic.

Color Diagnostics, LLC DBA Color Health
Classification: Pathogenic for Hereditary cancer-predisposing syndrome. Last evaluated: 2025-03-31. Review status: criteria provided, single submitter. Criteria: ACMG Guidelines, 2015. Collection method: clinical testing. Allele origin: germline. Not counted in ClinVar's aggregate classification.
Comment: This variant deletes 2 nucleotides in exon 11 of the BRCA2 gene, creating a frameshift and premature translation stop signal. This variant is expected to result in an absent or non-functional protein product. This variant has been detected in 2 individuals affected with ovarian cancer (PMID: 28525389, 33888336), 2 individuals affected with pancreatic cancer (PMID: 24963353, 32194909), an individual from a cohort affected with BRCA-associated cancer (PMID: 32699032), in a suspected hereditary breast and ovarian cancer family (PMID: 15340362), and in 20 families among the CIMBA participants (PMID: 29446198). This variant has not been identified in the general population by the Genome Aggregation Database (gnomAD). Loss of BRCA2 function is a known mechanism of disease. Based on the available evidence, this variant is classified as Pathogenic.

Ambry Genetics
Classification: Pathogenic for Hereditary cancer-predisposing syndrome. Last evaluated: 2025-02-01. Review status: criteria provided, single submitter. Criteria: Ambry Variant Classification Scheme 2023. Collection method: clinical testing. Allele origin: germline. Not counted in ClinVar's aggregate classification.
Comment: The c.5410_5411delGT pathogenic mutation, located in coding exon 10 of the BRCA2 gene, results from a deletion of two nucleotides at nucleotide positions 5410 to 5411, causing a translational frameshift with a predicted alternate stop codon (p.V1804Kfs*2). This alteration was also identified in a large, worldwide study of BRCA1/2 mutation positive families (Rebbeck TR et al. Hum Mutat, 2018 05;39:593-620). Of note, this alteration is also designated as 5638delGT in published literature. This variant is considered to be rare based on population cohorts in the Genome Aggregation Database (gnomAD). In addition to the clinical data presented in the literature, this alteration is expected to result in loss of function by premature protein truncation or nonsense-mediated mRNA decay. As such, this alteration is interpreted as a disease-causing mutation.

Cambridge Genomics Laboratory, East Genomic Laboratory Hub, NHS Genomic Medicine Service
Classification: Pathogenic for Inherited breast cancer and ovarian cancer. Last evaluated: 2024-07-01. Review status: criteria provided, single submitter. Criteria: ACGS Best Practice Guidelines for Variant Classification in Rare Disease 2020. Collection method: clinical testing. Allele origin: germline. Affected: yes. Not counted in ClinVar's aggregate classification.
Comment: PVS1,PM2_Supporting,PM5_Strong

Baylor Genetics
Classification: Pathogenic for Familial cancer of breast. Last evaluated: 2024-03-21. Review status: criteria provided, single submitter. Criteria: ACMG Guidelines, 2015. Collection method: clinical testing. Allele origin: unknown. Not counted in ClinVar's aggregate classification.

GeneDx
Classification: Pathogenic. Last evaluated: 2023-12-18. Review status: criteria provided, single submitter. Criteria: GeneDx Variant Classification Process June 2021. Collection method: clinical testing. Allele origin: germline. Affected: yes. Not counted in ClinVar's aggregate classification.
Comment: Frameshift variant predicted to result in protein truncation or nonsense mediated decay in a gene for which loss-of-function is a known mechanism of disease; Observed in individuals with personal or family history of BRCA2-related cancers (PMID: 12048272, 15340362, 24963353, 26586665); Truncating variants in this gene are considered pathogenic by a well-established clinical consortium and/or database; Not observed in large population cohorts (gnomAD); Also known as 5638delGT or 5638_5639delGT; This variant is associated with the following publications: (PMID: 15340362, 34657373, 31447099, 26586665, 24963353, 12048272, 32194909, 30787465)

Women's Health and Genetics/Laboratory Corporation of America, LabCorp
Classification: Pathogenic for Hereditary breast ovarian cancer syndrome. Last evaluated: 2022-05-04. Review status: criteria provided, single submitter. Criteria: LabCorp Variant Classification Summary - May 2015. Collection method: clinical testing. Allele origin: germline. Not counted in ClinVar's aggregate classification.
Comment: Variant summary: BRCA2 c.5410_5411delGT (p.Val1804LysfsX2) results in a premature termination codon, predicted to cause a truncation of the encoded protein or absence of the protein due to nonsense mediated decay, which are commonly known mechanisms for disease. Truncations downstream of this position have been classified as pathogenic by our laboratory. The variant was absent in 251140 control chromosomes. c.5410_5411delGT has been reported in the literature in multiple individuals affected with Hereditary Breast And Ovarian Cancer Syndrome (example, Rebbeck_2018). These data indicate that the variant is very likely to be associated with disease. Multiple clinical diagnostic laboratories, an expert panel (ENIGMA) and a consortium (CIMBA) have submitted clinical-significance assessments for this variant to ClinVar after 2014. All submitters classified the variant as pathogenic. Based on the evidence outlined above, the variant was classified as pathogenic.

NM_000059.4(BRCA2):c.5410_5411del (p.Val1804fs)

Gene: BRCA2 (BRCA2 DNA repair associated; plus strand). Cytogenetic location: 13q13.1.
Variant type: Deletion.
Coding change: c.5410_5411del on transcript NM_000059.4 (MANE Select); coding-DNA positions 5410 to 5411, 2 bases deleted (GT; older notation c.5410_5411delGT).
Protein change: p.Val1804fs; shifts the reading frame from valine 1804.
Molecular consequence: frameshift variant.
Genome position (GRCh38, 1-based): chr13:32,339,765-32,339,766, GT deleted; deleting any 2 consecutive bases within chr13:32,339,764-32,339,766 gives the same sequence; the c. name uses the placement nearest the transcript's 3' end. VCF-style (leftmost placement, unchanged base first): chr13-32339763-CTG-C. GRCh37 (hg19) VCF-style: chr13-32913900-CTG-C.
Other names: 5638delGT; c.5410_5411delGT (NM_000059.3).
Identifiers: ClinVar variation 37963 (VCV000037963.46), dbSNP rs80359512, ClinGen allele CA022266.